The following is an entry in ClinVar:

NM_018060.4(IARS2):c.2176-3T>A

Gene: IARS2 (isoleucyl-tRNA synthetase 2, mitochondrial; plus strand). Cytogenetic location: 1q41.
Variant type: single nucleotide variant.
Coding change: c.2176-3T>A on transcript NM_018060.4 (MANE Select); 3 bases into the intron before coding-DNA position 2176, T replaced by A.
Molecular consequence: intron variant.
Genome position (GRCh38, 1-based): chr1:220,139,005, T>A. VCF-style: chr1-220139005-T-A. GRCh37 (hg19) VCF-style: chr1-220312347-T-A.
Other names: p.?.
Identifiers: ClinVar variation 4542244 (VCV004542244.1).

ClinVar aggregate classification (germline): Uncertain significance (1 of 4 stars; one submission).

gnomAD v4.1: 3 of 1,605,586 alleles (0.00019%); highest among the groups gnomAD compares: African/African-American, 0.004%; no homozygotes.

Submission:

Mayo Clinic Laboratories, Mayo Clinic
Classification: Uncertain significance. Last evaluated: 2025-08-15. Review status: criteria provided, single submitter. Criteria: ACMG Guidelines, 2015. Collection method: clinical testing. Allele origin: germline. Observed: 1 variant allele.
Comment: PM2_supporting